The following is an entry in ClinVar:

NM_014363.6(SACS):c.377C>G (p.Ala126Gly)

Gene: SACS (sacsin molecular chaperone; minus strand). Cytogenetic location: 13q12.12.
Variant type: single nucleotide variant.
Coding change: c.377C>G on transcript NM_014363.6 (MANE Select); coding-DNA position 377, C replaced by G.
Protein change: p.Ala126Gly; replaces alanine 126 with glycine.
Molecular consequence: missense variant. On other transcripts: 5 prime UTR variant (1).
Genome position (GRCh38, 1-based): chr13:23,365,246, G>C on the plus strand (C>G on the coding strand, the complement: SACS is on the minus strand). VCF-style: chr13-23365246-G-C. GRCh37 (hg19) VCF-style: chr13-23939385-G-C.
Other names: c.-65C>G (NM_001278055.2); short protein forms A126G.
Identifiers: ClinVar variation 1436295 (VCV001436295.6), dbSNP rs1476132092, ClinGen allele CA387552693.
Genomic context (GRCh38, chr13:23,365,246, plus strand): 5'-TTTGACCAAAGAGTCTCTGTTCCGTATTGAGTTTCATCATATAAAAATTTAACTTCTGTC[G>C]CCCCAGCATCTTCTGCATTCTGAATTAATTCCTAACCAAAAAATATACCAAAAAATAGTA-3'
Protein context (NP_055178.3, residues 116-136): ELIQNAEDAG[Ala126Gly]TEVKFLYDET

ClinVar aggregate classification (germline): Uncertain significance (1 of 4 stars; one submission).

Conditions:
Spastic paraplegia. Identifiers: MedGen C0037772, HP:0001258.

Submission:

Labcorp Genetics (formerly Invitae), Labcorp
Classification: Uncertain significance for Spastic paraplegia. Last evaluated: 2021-09-06. Review status: criteria provided, single submitter. Criteria: Invitae Variant Classification Sherloc (09022015). Collection method: clinical testing. Allele origin: germline.
Comment: This variant is not present in population databases (ExAC no frequency). This sequence change replaces alanine with glycine at codon 126 of the SACS protein (p.Ala126Gly). The alanine residue is moderately conserved and there is a small physicochemical difference between alanine and glycine. Advanced modeling of protein sequence and biophysical properties (such as structural, functional, and spatial information, amino acid conservation, physicochemical variation, residue mobility, and thermodynamic stability) performed at Invitae indicates that this missense variant is expected to disrupt SACS protein function. This variant has not been reported in the literature in individuals affected with SACS-related conditions. In summary, the available evidence is currently insufficient to determine the role of this variant in disease. Therefore, it has been classified as a Variant of Uncertain Significance.